The following is an entry in ClinVar:

NM_004360.5(CDH1):c.1929C>T (p.Asn643=)

Gene: CDH1 (cadherin 1; plus strand). Cytogenetic location: 16q22.1.
Variant type: single nucleotide variant.
Coding change: c.1929C>T on transcript NM_004360.5 (MANE Select); coding-DNA position 1929, C replaced by T.
Protein change: p.Asn643=; no amino-acid change (asparagine 643 retained).
Molecular consequence: synonymous variant. On other transcripts: 5 prime UTR variant (1).
Genome position (GRCh38, 1-based): chr16:68,822,218, C>T. VCF-style: chr16-68822218-C-T. GRCh37 (hg19) VCF-style: chr16-68856121-C-T.
Other names: c.1929C>T (LRG_301t1); c.1746C>T, p.Asn582= (NM_001317184.2); c.381C>T, p.Asn127= (NM_001317185.2); c.-37C>T (NM_001317186.2).
Identifiers: ClinVar variation 184158 (VCV000184158.26), dbSNP rs374152504, ClinGen allele CA188010.

ClinVar aggregate classification (germline): Conflicting classifications of pathogenicity. Review status: criteria provided, conflicting classifications (1 of 4 stars). 9 submissions from 9 submitters: Uncertain significance (1); Benign (1); Likely benign (7). Last evaluated 2026-01-15.

Conditions:
Breast and/or ovarian cancer. Identifiers: MedGen CN221562.
Hereditary cancer-predisposing syndrome. Also called: Tumor predisposition; Hereditary Cancer Syndrome; Hereditary neoplastic syndrome; Neoplastic Syndromes, Hereditary. Identifiers: Orphanet 140162, MedGen C0027672, MeSH D009386, MONDO:0015356.
Hereditary diffuse gastric adenocarcinoma (HDGC). Also called: DIFFUSE GASTRIC AND LOBULAR BREAST CANCER SYNDROME. Identifiers: Orphanet 26106, MedGen C1708349, MONDO:0007648, OMIM 137215.

Allele frequency attached by ClinVar (database versions not stated): gnomAD exomes below 0.00001; gnomAD 0.00001; ExAC 0.00002; TOPMed 0.00002; ESP Exome Variant Server 0.00008.
gnomAD v4.1: 11 of 1,613,008 alleles (0.00068%); highest among the groups gnomAD compares: Middle Eastern, 0.016%; no homozygotes.

Submissions (9):

Women's Health and Genetics/Laboratory Corporation of America, LabCorp
Classification: Likely benign. Last evaluated: 2026-01-15. Review status: criteria provided, single submitter. Criteria: LabCorp Variant Classification Summary - May 2015. Collection method: clinical testing. Allele origin: germline.

Labcorp Genetics (formerly Invitae), Labcorp
Classification: Likely benign for Hereditary diffuse gastric adenocarcinoma. Last evaluated: 2025-11-18. Review status: criteria provided, single submitter. Criteria: Invitae Variant Classification Sherloc (09022015). Collection method: clinical testing. Allele origin: germline.

Myriad Genetics, Inc.
Classification: Benign for Hereditary diffuse gastric adenocarcinoma. Last evaluated: 2024-09-20. Review status: criteria provided, single submitter. Criteria: Myriad Autosomal Dominant, Autosomal Recessive and X-Linked Classification Criteria (2023). Collection method: clinical testing. Allele origin: unknown.
Comment: This variant is considered benign. This variant is a silent/synonymous amino acid change and it is not expected to impact splicing.

CHEO Genetics Diagnostic Laboratory, Children's Hospital of Eastern Ontario
Classification: Likely benign for Breast and/or ovarian cancer. Last evaluated: 2023-05-24. Review status: criteria provided, single submitter. Criteria: ACMG Guidelines, 2015. Collection method: clinical testing. Allele origin: germline.

European Reference Network on Genetic Tumour Risk Syndromes (ERN-GENTURIS), i3s - Instituto de Investigação e Inovação em Saúde, University of Porto
Classification: Uncertain significance for Hereditary diffuse gastric adenocarcinoma. Last evaluated: 2022-08-01. Review status: criteria provided, single submitter. Criteria: Lee et al. (Hum Mutat. 2018). Collection method: clinical testing. Allele origin: germline. Inheritance: Autosomal dominant inheritance. Affected: no. Study: ERN GENTURIS.
Comment: PM2 (PMID: 30311375)

GeneDx
Classification: Likely benign. Last evaluated: 2021-03-12. Review status: criteria provided, single submitter. Criteria: GeneDx Variant Classification Process June 2021. Collection method: clinical testing. Allele origin: germline. Affected: yes.

Color Diagnostics, LLC DBA Color Health
Classification: Likely benign for Hereditary cancer-predisposing syndrome. Last evaluated: 2020-09-15. Review status: criteria provided, single submitter. Criteria: ACMG Guidelines, 2015. Collection method: clinical testing. Allele origin: germline.

Quest Diagnostics Nichols Institute San Juan Capistrano
Classification: Likely benign. Last evaluated: 2017-10-30. Review status: criteria provided, single submitter. Criteria: Quest Diagnostics criteria. Collection method: clinical testing. Allele origin: germline.

Ambry Genetics
Classification: Likely benign for Hereditary cancer-predisposing syndrome. Last evaluated: 2014-07-30. Review status: criteria provided, single submitter. Criteria: Ambry Variant Classification Scheme 2023. Collection method: clinical testing. Allele origin: germline.

Literature cited by the submitters: PubMed 36436516 (cited by European Reference Network on Genetic Tumour Risk Syndromes (ERN-GENTURIS), i3s - Instituto de Investigação e Inovação em Saúde, University of Porto).